The following is an entry in ClinVar:

NM_015311.3(OBSL1):c.3649G>A (p.Glu1217Lys)

Gene: OBSL1 (obscurin like cytoskeletal adaptor 1; minus strand). Cytogenetic location: 2q35.
Variant type: single nucleotide variant.
Coding change: c.3649G>A on transcript NM_015311.3 (MANE Select); coding-DNA position 3649, G replaced by A.
Protein change: p.Glu1217Lys; replaces glutamic acid 1217 with lysine.
Molecular consequence: missense variant.
Genome position (GRCh38, 1-based): chr2:219,557,964, C>T on the plus strand (G>A on the coding strand, the complement: OBSL1 is on the minus strand). VCF-style: chr2-219557964-C-T. GRCh37 (hg19) VCF-style: chr2-220422686-C-T.
Other names: c.3649G>A, p.Glu1217Lys (NM_001173431.2); short protein forms E1217K.
Identifiers: ClinVar variation 193901 (VCV000193901.29), dbSNP rs72957510, ClinGen allele CA200842.

ClinVar aggregate classification (germline): Benign/Likely benign. Review status: criteria provided, multiple submitters, no conflicts (2 of 4 stars). 10 submissions from 10 submitters: Benign (4); Likely benign (4). 2 of the submissions do not count toward it. Last evaluated 2026-05-09.

Conditions:
3M syndrome 2. Also called: 3-M Syndrome, OBSL1-Related; THREE M SYNDROME 2. Identifiers: Orphanet 2616, MedGen C2752041, MONDO:0013039, OMIM 612921.

Allele frequency attached by ClinVar (database versions not stated): gnomAD exomes 0.00514 and 0.00631; ExAC 0.00613; 1000 Genomes Project 0.00699; ESP Exome Variant Server 0.00713; gnomAD 0.00718 and 0.00742; TOPMed 0.00773; 1000 Genomes Project 30x 0.00781.
gnomAD v4.1: 10,201 of 1,608,856 alleles (0.63%); highest among the groups gnomAD compares: African/African-American, 1.4%; 40 homozygotes.

Submissions (10):

Women's Health and Genetics/Laboratory Corporation of America, LabCorp
Classification: Likely benign. Last evaluated: 2026-05-09. Review status: criteria provided, single submitter. Criteria: LabCorp Variant Classification Summary - May 2015. Collection method: clinical testing. Allele origin: germline.

Labcorp Genetics (formerly Invitae), Labcorp
Classification: Benign. Last evaluated: 2026-02-02. Review status: criteria provided, single submitter. Criteria: Invitae Variant Classification Sherloc (09022015). Collection method: clinical testing. Allele origin: germline.

CeGaT Center for Human Genetics Tuebingen
Classification: Benign. Last evaluated: 2026-02-01. Review status: criteria provided, single submitter. Criteria: CeGaT Center For Human Genetics Tuebingen Variant Classification Criteria Version 2. Collection method: clinical testing. Allele origin: germline. Affected: yes. Observed: 1 variant allele.
Comment: OBSL1: BP4, BS1, BS2

Blueprint Genetics
Classification: Likely benign. Last evaluated: 2024-11-26. Review status: criteria provided, single submitter. Criteria: ACMG Guidelines, 2015. Collection method: clinical testing. Allele origin: germline.

Illumina Laboratory Services, Illumina
Classification: Benign for 3M syndrome 2. Last evaluated: 2018-01-13. Review status: criteria provided, single submitter. Criteria: ICSL Variant Classification Criteria 13 December 2019. Collection method: clinical testing. Allele origin: germline.
Comment: This variant was observed in the ICSL laboratory as part of a predisposition screen in an ostensibly healthy population. It had not been previously curated by ICSL or reported in the Human Gene Mutation Database (HGMD: prior to June 1st, 2018), and was therefore a candidate for classification through an automated scoring system. Utilizing variant allele frequency, disease prevalence and penetrance estimates, and inheritance mode, an automated score was calculated to assess if this variant is too frequent to cause the disease. Based on the score and internal cut-off values, a variant classified as benign is not then subjected to further curation. The score for this variant resulted in a classification of benign for this disease.

Center for Pediatric Genomic Medicine, Children's Mercy Hospital and Clinics
Classification: Likely benign. Last evaluated: 2017-01-02. Review status: criteria provided, single submitter. Criteria: ACMG Guidelines, 2015. Collection method: clinical testing. Allele origin: germline.
ClinVar note: Converted during submission from Likely Benign to Likely benign.

Eurofins Ntd Llc (ga)
Classification: Benign. Last evaluated: 2015-04-09. Review status: criteria provided, single submitter. Criteria: EGL Classification Definitions 2015. Collection method: clinical testing. Allele origin: germline. Observed: 1 variant allele, 1 heterozygote.

Breakthrough Genomics
Classification: Likely benign. Review status: criteria provided, single submitter. Criteria: ACMG Guidelines, 2015. Collection method: not provided. Allele origin: germline. Inheritance: Autosomal recessive inheritance. Affected: yes.

Genome Diagnostics Laboratory, University Medical Center Utrecht
Classification: Benign. Review status: no assertion criteria provided. Collection method: clinical testing. Allele origin: germline. Affected: yes. Study: VKGL Data-share Consensus. Not counted in ClinVar's aggregate classification.

Laboratory of Diagnostic Genome Analysis, Leiden University Medical Center (LUMC)
Classification: Likely benign. Review status: no assertion criteria provided. Collection method: clinical testing. Allele origin: germline. Affected: yes. Study: VKGL Data-share Consensus. Not counted in ClinVar's aggregate classification.